The following is an entry in ClinVar:

NM_007357.3(COG2):c.2116-59T>C

Gene: COG2 (component of oligomeric golgi complex 2; plus strand). Cytogenetic location: 1q42.2.
Variant type: single nucleotide variant.
Coding change: c.2116-59T>C on transcript NM_007357.3 (MANE Select); 59 bases into the intron before coding-DNA position 2116, T replaced by C.
Molecular consequence: intron variant.
Genome position (GRCh38, 1-based): chr1:230,693,233, T>C. VCF-style: chr1-230693233-T-C. GRCh37 (hg19) VCF-style: chr1-230828979-T-C.
Other names: c.2113-59T>C (NM_001145036.2).
Identifiers: ClinVar variation 1707266 (VCV001707266.2), dbSNP rs187524214, ClinGen allele CA38857466.
Genomic context (GRCh38, chr1:230,693,233, plus strand): 5'-CAAGTCTTCAGGGAACTGTCTTCTGGTTTAGTAGAGGATGAAGATTTTCTTTCTTTTTTT[T>C]CCCCCCCCATATTCAGCTTGAATTGCAGTAACATAATTCATTCTCATGGCCTTTGCAGAT-3'

ClinVar aggregate classification (germline): Likely benign (1 of 4 stars; one submission).

Allele frequency attached by ClinVar (database versions not stated): gnomAD 0.00826.
gnomAD v4.1: 2,307 of 969,500 alleles (0.24%); highest among the groups gnomAD compares: African/African-American, 2.4%; 18 homozygotes.

Submission:

GeneDx
Classification: Likely benign. Last evaluated: 2020-03-06. Review status: criteria provided, single submitter. Criteria: GeneDx Variant Classification Process June 2021. Collection method: clinical testing. Allele origin: germline. Affected: yes.
Comment: See Variant Classification Assertion Criteria.